The following is an entry in ClinVar:

ClinVar aggregate classification (germline): Conflicting classifications of pathogenicity. Review status: criteria provided, conflicting classifications (1 of 4 stars). 18 submissions from 17 submitters: Uncertain significance (1); Uncertain risk allele (1); Benign (6); Likely benign (7). 3 of the submissions do not count toward it. Last evaluated 2026-08-01.

Conditions:
Monogenic diabetes. Identifiers: Orphanet 183625, MedGen C3888631, MONDO:0015967.
WFS1-Related Spectrum Disorders.
Autosomal dominant nonsyndromic hearing loss 6 (LFSNHL). Also called: Autosomal dominant nonsyndromic deafness 6; DEAFNESS, AUTOSOMAL DOMINANT 14; DEAFNESS, AUTOSOMAL DOMINANT 38; DEAFNESS, AUTOSOMAL DOMINANT 6. Identifiers: Orphanet 90635, MedGen C1833021, MONDO:0010963, OMIM 600965.
Cataract 41 (CTRCT41). Also called: CATARACT 41, CONGENITAL NUCLEAR TYPE. Identifiers: Orphanet 91492, Orphanet 98991, Orphanet 98992, Orphanet 98995, MedGen C3805412, MONDO:0007287, OMIM 116400.
Wolfram syndrome 1 (WFS1). Identifiers: Orphanet 3463, MedGen C4551693, MONDO:0009101, OMIM 222300.
Wolfram-like syndrome. Also called: HEARING LOSS, PROGRESSIVE, WITH OPTIC ATROPHY AND/OR IMPAIRED GLUCOSE REGULATION. Identifiers: Orphanet 411590, MedGen C3280358, MONDO:0013673, OMIM 614296.
Type 2 diabetes mellitus. Also called: Type II diabetes mellitus. Identifiers: MedGen C0011860, MeSH D003924, MONDO:0005148, OMIM 125853, HP:0005978.
Optic atrophy. Identifiers: MedGen C0029124, MONDO:0003608, HP:0000648.

Allele frequency attached by ClinVar (database versions not stated): ESP Exome Variant Server 0.00824; 1000 Genomes Project 0.00659; 1000 Genomes Project 30x 0.00734; ExAC 0.00221; gnomAD 0.00672; TOPMed 0.00695.
gnomAD v4.1: 2,444 of 1,612,962 alleles (0.15%); highest among the groups gnomAD compares: African/African-American, 2.1%; 16 homozygotes.

Submissions (18):

CeGaT Center for Human Genetics Tuebingen
Classification: Likely benign. Last evaluated: 2026-08-01. Review status: criteria provided, single submitter. Criteria: CeGaT Center For Human Genetics Tuebingen Variant Classification Criteria Version 2. Collection method: clinical testing. Allele origin: germline. Affected: yes. Observed: 2 variant alleles.
Comment: WFS1: PM5, BS1, BS2

Labcorp Genetics (formerly Invitae), Labcorp
Classification: Benign. Last evaluated: 2026-01-27. Review status: criteria provided, single submitter. Criteria: Invitae Variant Classification Sherloc (09022015). Collection method: clinical testing. Allele origin: germline.

Blueprint Genetics
Classification: Likely benign. Last evaluated: 2024-11-26. Review status: criteria provided, single submitter. Criteria: ACMG Guidelines, 2015. Collection method: clinical testing. Allele origin: germline.

ARUP Laboratories, Molecular Genetics and Genomics, ARUP Laboratories
Classification: Benign. Last evaluated: 2023-11-22. Review status: criteria provided, single submitter. Criteria: ARUP Molecular Germline Variant Investigation Process 2024. Collection method: clinical testing. Allele origin: germline.

Fulgent Genetics
Classification: Likely benign for Cataract 41; Type 2 diabetes mellitus; Wolfram syndrome 1; Autosomal dominant nonsyndromic hearing loss 6; Wolfram-like syndrome. Last evaluated: 2022-04-25. Review status: criteria provided, single submitter. Criteria: ACMG Guidelines, 2015. Collection method: clinical testing. Allele origin: unknown.

Institute of Human Genetics, Univ. Regensburg, Univ. Regensburg
Classification: Uncertain significance for Optic atrophy. Last evaluated: 2021-01-01. Review status: criteria provided, single submitter. Criteria: ACMG Guidelines, 2015. Collection method: clinical testing. Allele origin: germline. Affected: yes.

Personalized Diabetes Medicine Program, University of Maryland School of Medicine
Classification: Benign for Monogenic diabetes. Last evaluated: 2018-09-07. Review status: criteria provided, single submitter. Criteria: ACMG Guidelines, 2015. Collection method: research. Allele origin: unknown. Observed: 4 variant alleles, 4 heterozygotes.
Comment: ACMG criteria: BA1 (2.2% in gnomAD Africans), BS2 (72 cases and 71 controls in T2DM genes) (REVEL 0.696 + PP3/7 predictors + BP4/2 predictors= conflicting evidence, not using); Note: papers associate variant with LFHL (PMID: 11709537, 12955714)=benign

Center for Pediatric Genomic Medicine, Children's Mercy Hospital and Clinics
Classification: Likely benign. Last evaluated: 2017-05-15. Review status: criteria provided, single submitter. Criteria: ACMG Guidelines, 2015. Collection method: clinical testing. Allele origin: germline.

Illumina Laboratory Services, Illumina
Classification: Likely benign for WFS1-Related Spectrum Disorders. Last evaluated: 2017-04-28. Review status: criteria provided, single submitter. Criteria: ICSL Variant Classification Criteria 13 December 2019. Collection method: clinical testing. Allele origin: germline.
Comment: This variant was observed as part of a predisposition screen in an ostensibly healthy population. A literature search was performed for the gene, cDNA change, and amino acid change (where applicable). Publications were found based on this search. The evidence from the literature, in combination with allele frequency data from public databases where available, was sufficient to determine this variant is unlikely to cause disease. Therefore, this variant is classified as likely benign.

Illumina Laboratory Services, Illumina
Classification: Likely benign for Autosomal dominant nonsyndromic hearing loss 6. Last evaluated: 2017-04-28. Review status: criteria provided, single submitter. Criteria: ICSL Variant Classification Criteria 13 December 2019. Collection method: clinical testing. Allele origin: germline.
Comment: the same text as in the submission from Illumina Laboratory Services, Illumina above.

Eurofins Ntd Llc (ga)
Classification: Benign. Last evaluated: 2016-05-26. Review status: criteria provided, single submitter. Criteria: EGL Classification Definitions 2015. Collection method: clinical testing. Allele origin: germline. Observed: 1 variant allele, 1 heterozygote.

GeneDx
Classification: Benign. Last evaluated: 2014-06-23. Review status: criteria provided, single submitter. Criteria: GeneDx Variant Classification (06012015). Collection method: clinical testing. Allele origin: germline. Affected: yes.
Comment: This variant is considered likely benign or benign based on one or more of the following criteria: it is a conservative change, it occurs at a poorly conserved position in the protein, it is predicted to be benign by multiple in silico algorithms, and/or has population frequency not consistent with disease.

Laboratory for Molecular Medicine, Mass General Brigham Personalized Medicine
Classification: Benign. Last evaluated: 2012-04-30. Review status: criteria provided, single submitter. Criteria: LMM Criteria. Collection method: clinical testing. Allele origin: germline. Observed: 16 variant alleles.
Comment: Val779Met in Exon 08 of WFS1: This variant is not expected to have clinical sign ificance because it has been identified in 2.5% (92/3730) of African American ch romosomes from a broad population by the NHLBI Exome Sequencing Project (dbSNP rs141328044).

Breakthrough Genomics
Classification: Likely benign. Review status: criteria provided, single submitter. Criteria: ACMG Guidelines, 2015. Collection method: not provided. Allele origin: germline. Inheritance: Autosomal recessive inheritance. Affected: yes.

Clinical Genomics, Uppaluri K&H Personalized Medicine Clinic
Classification: Uncertain risk allele for Wolfram syndrome 1. Review status: criteria provided, single submitter. Criteria: K & H Uppaluri Personalized Medicine Clinic Variant Classification & Assertion Criteria_Updated V.1. Collection method: research. Allele origin: unknown. Inheritance: Autosomal dominant inheritance.
Comment: Potent mutations in WFS1 gene are associated with Wolfram's syndrome, an autosomal recessive condition, which cause diabetes mellitus, diabetes insipidus, deafness and optic atrophy.However no sufficient evidence is found to ascertain the role of this particular variant rs141328044 yet.

Clinical Genetics DNA and cytogenetics Diagnostics Lab, Erasmus MC, Erasmus Medical Center
Classification: Benign. Review status: no assertion criteria provided. Collection method: clinical testing. Allele origin: germline. Affected: yes. Study: VKGL Data-share Consensus. Not counted in ClinVar's aggregate classification.

Clinical Genetics, Academic Medical Center
Classification: Benign. Review status: no assertion criteria provided. Collection method: clinical testing. Allele origin: germline. Affected: yes. Study: VKGL Data-share Consensus. Not counted in ClinVar's aggregate classification.

Laboratory of Diagnostic Genome Analysis, Leiden University Medical Center (LUMC)
Classification: Likely benign. Review status: no assertion criteria provided. Collection method: clinical testing. Allele origin: germline. Affected: yes. Study: VKGL Data-share Consensus. Not counted in ClinVar's aggregate classification.

Literature cited by the submitters: PubMed 11709537 (cited by 3 submitters); PubMed 25133958 (cited by Institute of Human Genetics, Univ. Regensburg, Univ. Regensburg and Illumina Laboratory Services, Illumina); PubMed 25262649 (cited by Institute of Human Genetics, Univ. Regensburg, Univ. Regensburg and Illumina Laboratory Services, Illumina); PubMed 30245029 (cited by Institute of Human Genetics, Univ. Regensburg, Univ. Regensburg); PubMed 30872718 (cited by Institute of Human Genetics, Univ. Regensburg, Univ. Regensburg); PubMed 12955714 (cited by 3 submitters); PubMed 20738327 (cited by Clinical Genomics, Uppaluri K&H Personalized Medicine Clinic); PubMed 33879153 (cited by Clinical Genomics, Uppaluri K&H Personalized Medicine Clinic); PubMed 18060660 (cited by Clinical Genomics, Uppaluri K&H Personalized Medicine Clinic); PubMed 20301750 (cited by Clinical Genomics, Uppaluri K&H Personalized Medicine Clinic); PubMed 17603484 (cited by Clinical Genomics, Uppaluri K&H Personalized Medicine Clinic).

NM_006005.3(WFS1):c.2335G>A (p.Val779Met)

Gene: WFS1 (wolframin ER transmembrane glycoprotein; plus strand). Cytogenetic location: 4p16.1.
Variant type: single nucleotide variant.
Coding change: c.2335G>A on transcript NM_006005.3 (MANE Select); coding-DNA position 2335, G replaced by A.
Protein change: p.Val779Met; replaces valine 779 with methionine.
Molecular consequence: missense variant.
Genome position (GRCh38, 1-based): chr4:6,302,130, G>A. VCF-style: chr4-6302130-G-A. GRCh37 (hg19) VCF-style: chr4-6303857-G-A.
Other names: c.2335G>A, p.Val779Met (NM_001145853.1); short protein forms V779M.
Identifiers: ClinVar variation 45453 (VCV000045453.45), dbSNP rs141328044, ClinGen allele CA282584.